The following is an entry in ClinVar:

NM_002047.2(GARS1):c.-69T>A

Gene: GARS1 (glycyl-tRNA synthetase 1; plus strand). Cytogenetic location: 7p14.3.
Variant type: single nucleotide variant.
Coding change: c.-69T>A on transcript NM_002047.2; 69 bases upstream of the start codon, T replaced by A.
Molecular consequence: 5 prime UTR variant (on NM_001316772.1).
Genome position (GRCh38, 1-based): chr7:30,594,853, T>A. VCF-style: chr7-30594853-T-A. GRCh37 (hg19) VCF-style: chr7-30634469-T-A.
Other names: c.-231T>A (NM_001316772.1).
Identifiers: ClinVar variation 359998 (VCV000359998.7), dbSNP rs527307703, ClinGen allele CA10628956.

ClinVar aggregate classification (germline): Benign. Review status: criteria provided, single submitter (1 of 4 stars). 3 submissions from 1 submitter: Benign (3). Last evaluated 2018-01-13.

Conditions:
Distal spinal muscular atrophy. Also called: Distal hereditary motor neuronopathy; Distal hereditary motor neuropathy. Identifiers: Orphanet 53739, MedGen C0393541, MONDO:0018894.
Neuronopathy, distal hereditary motor, type 5A (HMND5). Also called: Distal Spinal Muscular Atrophy V; Distal Spinal Muscular Atrophy V (dSMA-V); NEURONOPATHY, DISTAL HEREDITARY MOTOR, AUTOSOMAL DOMINANT 5; DHMN VA. Identifiers: Orphanet 139536, MedGen CN031873, MONDO:0015353, OMIM 600794.
Charcot-Marie-Tooth disease type 2D (CMT2D). Also called: Charcot-Marie-Tooth Neuropathy Type 2D; CHARCOT-MARIE-TOOTH DISEASE, AXONAL, TYPE 2D; GARS1 Adolescent- or Early Adult-Onset Hereditary Motor/Sensory Neuropathy (GARS1-HMSN); CHARCOT-MARIE-TOOTH DISEASE, NEURONAL, TYPE 2D. Identifiers: Orphanet 99938, MedGen C1832274, MONDO:0011091, OMIM 601472.

Allele frequency attached by ClinVar (database versions not stated): 1000 Genomes Project 0.00359; TOPMed 0.00240; gnomAD 0.00098; 1000 Genomes Project 30x 0.00359.
gnomAD v4.1: 1,829 of 1,352,650 alleles (0.14%); highest among the groups gnomAD compares: East Asian, 3.5%; 28 homozygotes.

Submissions (3):

Illumina Laboratory Services, Illumina
Classification: Benign for Distal Spinal Muscular Atrophy. Last evaluated: 2018-01-13. Review status: criteria provided, single submitter. Criteria: ICSL Variant Classification Criteria 13 December 2019. Collection method: clinical testing. Allele origin: germline.
Comment: This variant was observed in the ICSL laboratory as part of a predisposition screen in an ostensibly healthy population. It had not been previously curated by ICSL or reported in the Human Gene Mutation Database (HGMD: prior to June 1st, 2018), and was therefore a candidate for classification through an automated scoring system. Utilizing variant allele frequency, disease prevalence and penetrance estimates, and inheritance mode, an automated score was calculated to assess if this variant is too frequent to cause the disease. Based on the score and internal cut-off values, a variant classified as benign is not then subjected to further curation. The score for this variant resulted in a classification of benign for this disease.

Illumina Laboratory Services, Illumina
Classification: Benign for Distal hereditary motor neuronopathy type 5. Last evaluated: 2018-01-13. Review status: criteria provided, single submitter. Criteria: ICSL Variant Classification Criteria 13 December 2019. Collection method: clinical testing. Allele origin: germline.
Comment: the same text as in the submission from Illumina Laboratory Services, Illumina above.

Illumina Laboratory Services, Illumina
Classification: Benign for Charcot-Marie-Tooth disease type 2D. Last evaluated: 2018-01-13. Review status: criteria provided, single submitter. Criteria: ICSL Variant Classification Criteria 13 December 2019. Collection method: clinical testing. Allele origin: germline.
Comment: the same text as in the submission from Illumina Laboratory Services, Illumina above.